The following is an entry in ClinVar:

NM_004415.4(DSP):c.1102A>T (p.Ile368Phe)

Gene: DSP (desmoplakin; plus strand). Cytogenetic location: 6p24.3.
Variant type: single nucleotide variant.
Coding change: c.1102A>T on transcript NM_004415.4 (MANE Select); coding-DNA position 1102, A replaced by T.
Protein change: p.Ile368Phe; replaces isoleucine 368 with phenylalanine.
Molecular consequence: missense variant.
Genome position (GRCh38, 1-based): chr6:7,567,411, A>T. VCF-style: chr6-7567411-A-T. GRCh37 (hg19) VCF-style: chr6-7567644-A-T.
Other names: p.I368F:ATT>TTT; c.1102A>T (LRG_423t1, NM_004415.3); c.1102A>T, p.Ile368Phe (NM_001008844.3, NM_001319034.2); short protein forms I368F.
Identifiers: ClinVar variation 199859 (VCV000199859.26), dbSNP rs794728112, ClinGen allele CA004770.

ClinVar aggregate classification (germline): Conflicting classifications of pathogenicity. Review status: criteria provided, conflicting classifications (1 of 4 stars). 6 submissions from 6 submitters: Uncertain significance (5); Likely benign (1). Last evaluated 2026-05-10.

Conditions:
DSP-related disorder. Also called: DSP-related disorders; DSP-related condition.
Cardiovascular phenotype. Identifiers: MedGen CN230736.
Cardiomyopathy (CMYO). Also called: Cardiomyopathies. Identifiers: Orphanet 167848, MedGen C0878544, MONDO:0004994, HP:0001638. Inheritance: Various modes of inheritance.
Arrhythmogenic right ventricular dysplasia 8 (ARVD8). Also called: Arrhythmogenic Right Ventricular Dysplasia/Cardiomyopathy 8; ARRHYTHMOGENIC RIGHT VENTRICULAR DYSPLASIA, FAMILIAL, 8; ARRHYTHMOGENIC RIGHT VENTRICULAR CARDIOMYOPATHY 8. Identifiers: MedGen C1843896, MONDO:0011831, OMIM 607450.
Arrhythmogenic cardiomyopathy with wooly hair and keratoderma. Also called: Dilated cardiomyopathy with woolly hair and keratoderma; Arrhythmogenic cardiomyopathy with woolly hair and keratoderma; Carvajal syndrome; PALMOPLANTAR KERATODERMA WITH LEFT VENTRICULAR CARDIOMYOPATHY AND WOOLLY HAIR. Identifiers: Orphanet 65282, MedGen C1854063, MONDO:0011581, OMIM 605676.

Allele frequency attached by ClinVar (database versions not stated): gnomAD 0.00001; TOPMed 0.00001.

Submissions (6):

Ambry Genetics
Classification: Uncertain significance for Cardiovascular phenotype. Last evaluated: 2026-05-10. Review status: criteria provided, single submitter. Criteria: Ambry Variant Classification Scheme 2023. Collection method: clinical testing. Allele origin: germline.

Labcorp Genetics (formerly Invitae), Labcorp
Classification: Likely benign for Arrhythmogenic cardiomyopathy with wooly hair and keratoderma; Arrhythmogenic right ventricular dysplasia 8. Last evaluated: 2025-12-03. Review status: criteria provided, single submitter. Criteria: Invitae Variant Classification Sherloc (09022015). Collection method: clinical testing. Allele origin: germline.

PreventionGenetics, part of Exact Sciences
Classification: Uncertain significance for DSP-related condition. Last evaluated: 2025-05-14. Review status: criteria provided, single submitter. Criteria: ACMG Guidelines, 2015. Collection method: clinical testing. Allele origin: germline.
Comment: The DSP c.1102A>T variant is predicted to result in the amino acid substitution p.Ile368Phe. To our knowledge, this variant has not been reported in the literature. This variant is reported in 0.011% of alleles in individuals of African descent in gnomAD. At this time, the clinical significance of this variant is uncertain due to the absence of conclusive functional and genetic evidence.

Color Diagnostics, LLC DBA Color Health
Classification: Uncertain significance for Cardiomyopathy. Last evaluated: 2024-03-06. Review status: criteria provided, single submitter. Criteria: ACMG Guidelines, 2015. Collection method: clinical testing. Allele origin: germline.
Comment: This missense variant replaces isoleucine with phenylalanine at codon 368 of the DSP protein. Computational prediction suggests that this variant may have deleterious impact on protein structure and function (internally defined REVEL score threshold >= 0.7, PMID: 27666373). To our knowledge, functional studies have not been reported for this variant. This variant has not been reported in individuals affected with cardiovascular disorders in the literature. This variant has been identified in 1/31402 chromosomes in the general population by the Genome Aggregation Database (gnomAD). The available evidence is insufficient to determine the role of this variant in disease conclusively. Therefore, this variant is classified as a Variant of Uncertain Significance.

All of Us Research Program, National Institutes of Health
Classification: Uncertain significance for Arrhythmogenic cardiomyopathy with wooly hair and keratoderma. Last evaluated: 2024-01-03. Review status: criteria provided, single submitter. Criteria: ACMG Guidelines, 2015. Collection method: clinical testing. Allele origin: germline. Inheritance: Autosomal dominant inheritance. Observed: 1 variant allele, 1 heterozygote.
Comment: This missense variant replaces isoleucine with phenylalanine at codon 368 of the DSP protein. Computational prediction suggests that this variant may have deleterious impact on protein structure and function (internally defined REVEL score threshold >= 0.7, PMID: 27666373). To our knowledge, functional studies have not been reported for this variant. This variant has not been reported in individuals affected with cardiovascular disorders in the literature. This variant has been identified in 1/31402 chromosomes in the general population by the Genome Aggregation Database (gnomAD). The available evidence is insufficient to determine the role of this variant in disease conclusively. Therefore, this variant is classified as a Variant of Uncertain Significance.

This study involves interpretation of variants in research participants for the purpose of population health screening. Participant phenotype was not available at the time of variant classification. Additional details can be found in publication PMID: 35346344, PMCID: PMC8962531

GeneDx
Classification: Uncertain significance. Last evaluated: 2017-03-27. Review status: criteria provided, single submitter. Criteria: GeneDx Variant Classification (06012015). Collection method: clinical testing. Allele origin: germline. Affected: yes.
Comment: The I368F variant in the DSP gene has not been published as a pathogenic variant or been reported as a benign variant to our knowledge, but it has been previously identified in multiple relatives in one family referred for genetic testing at GeneDx, though limited clinical information is available. The I368F variant was not observed in approximately 6,500 individuals of European and African American ancestry in the NHLBI Exome Sequencing Project, indicating it is not a common benign variant in these populations. Although the I368F variant is a conservative amino acid substitution, which is not likely to impact secondary protein structure as these residues share similar properties, this substitution occurs at a position that is conserved across species. Consequently, in silico analysis is inconsistent in its predictions as to whether or not the variant is damaging to the protein structure/function. Only one definitive missense variant in a nearby residue (N375I) has been reported in the Human Gene Mutation Database in association with ARVC (Stenson et al., 2014). Therefore, based on the currently available information, it is unclear whether this variant is pathogenic or benign.